The following is an entry in ClinVar:

ClinVar aggregate classification (germline): Uncertain significance. Review status: criteria provided, multiple submitters, no conflicts (2 of 4 stars). 2 submissions from 2 submitters: Uncertain significance (2). Last evaluated 2025-11-05.

Conditions:
Atrioventricular septal defect 4 (AVSD4). Identifiers: MedGen C3280781, MONDO:0013747, OMIM 614430.

Submissions (2):

Labcorp Genetics (formerly Invitae), Labcorp
Classification: Uncertain significance for Atrioventricular septal defect 4. Last evaluated: 2025-11-05. Review status: criteria provided, single submitter. Criteria: Invitae Variant Classification Sherloc (09022015). Collection method: clinical testing. Allele origin: germline.
Comment: This sequence change replaces alanine, which is neutral and non-polar, with valine, which is neutral and non-polar, at codon 402 of the GATA4 protein (p.Ala402Val). This variant is not present in population databases (gnomAD no frequency). This variant has not been reported in the literature in individuals affected with GATA4-related conditions. ClinVar contains an entry for this variant (Variation ID: 3731189). Invitae Evidence Modeling of protein sequence and biophysical properties (such as structural, functional, and spatial information, amino acid conservation, physicochemical variation, residue mobility, and thermodynamic stability) indicates that this missense variant is not expected to disrupt GATA4 protein function with a negative predictive value of 95%. In summary, the available evidence is currently insufficient to determine the role of this variant in disease. Therefore, it has been classified as a Variant of Uncertain Significance.

GeneDx
Classification: Uncertain significance. Last evaluated: 2024-08-13. Review status: criteria provided, single submitter. Criteria: GeneDx Variant Classification Process June 2021. Collection method: clinical testing. Allele origin: germline. Affected: yes.
Comment: Not observed at significant frequency in large population cohorts (gnomAD); In silico analysis indicates that this missense variant does not alter protein structure/function; Has not been previously published as pathogenic or benign to our knowledge

NM_001308093.3(GATA4):c.1208C>T (p.Ala403Val)

Gene: GATA4 (GATA binding protein 4). Cytogenetic location: 8p23.1.
Variant type: single nucleotide variant.
Coding change: c.1208C>T on transcript NM_001308093.3 (MANE Select); coding-DNA position 1208, C replaced by T.
Protein change: p.Ala403Val; replaces alanine 403 with valine.
Molecular consequence: missense variant.
Genome position (GRCh38, 1-based): chr8:11,758,351, C>T. VCF-style: chr8-11758351-C-T. GRCh37 (hg19) VCF-style: chr8-11615860-C-T.
Other names: c.587C>T, p.Ala196Val (NM_001308094.2, NM_001374273.1); c.461C>T, p.Ala154Val (NM_001374274.1); c.1205C>T, p.Ala402Val (NM_002052.5); short protein forms A154V, A403V, A196V, A402V.
Identifiers: ClinVar variation 3731189 (VCV003731189.2).